The following is an entry in ClinVar:

NM_000089.4(COL1A2):c.1342G>C (p.Gly448Arg)

Gene: COL1A2 (collagen type I alpha 2 chain; plus strand). Cytogenetic location: 7q21.3.
Variant type: single nucleotide variant.
Coding change: c.1342G>C on transcript NM_000089.4 (MANE Select); coding-DNA position 1342, G replaced by C.
Protein change: p.Gly448Arg; replaces glycine 448 with arginine.
Molecular consequence: missense variant.
Genome position (GRCh38, 1-based): chr7:94,411,146, G>C. VCF-style: chr7-94411146-G-C. GRCh37 (hg19) VCF-style: chr7-94040458-G-C.
Other names: short protein forms G448R.
Identifiers: ClinVar variation 644457 (VCV000644457.12), dbSNP rs1584320605, ClinGen allele CA368221652.

ClinVar aggregate classification (germline): Pathogenic/Likely pathogenic. Review status: criteria provided, multiple submitters, no conflicts (2 of 4 stars). 3 submissions from 3 submitters: Pathogenic (2); Likely pathogenic (1). Last evaluated 2022-12-28.

Conditions:
Osteogenesis imperfecta type I (OI1). Also called: OI, TYPE I; OSTEOGENESIS IMPERFECTA TARDA; OSTEOGENESIS IMPERFECTA WITH BLUE SCLERAE; Osteogenesis imperfecta type 1; Classic Non-deforming Osteogenesis Imperfecta with Blue Sclerae; Lobstein's Disease. Identifiers: Orphanet 216796, Orphanet 666, MedGen C0023931, MONDO:0008146, OMIM 166200. Disease mechanism: loss of function.
Ehlers-Danlos syndrome, classic type, 1 (EDSCL1). Also called: EDS I; EHLERS-DANLOS SYNDROME, GRAVIS TYPE; EHLERS-DANLOS SYNDROME, SEVERE CLASSIC TYPE; Ehlers-Danlos Syndrome, Classic Type, COL5A1-Related; Ehlers-Danlos syndrome, type 1. Identifiers: MedGen C0268335, MONDO:0019567, OMIM 130000.
Osteogenesis imperfecta, perinatal lethal (OI2). Also called: OSTEOGENESIS IMPERFECTA, TYPE II; Osteogenesis imperfecta type 2; Osteogenesis imperfecta, dominant perinatal lethal; OI, TYPE II; OSTEOGENESIS IMPERFECTA CONGENITA; VROLIK TYPE OF OSTEOGENESIS IMPERFECTA. Identifiers: Orphanet 216804, MedGen C0268358, MONDO:0008147, OMIM 166210.
Osteogenesis imperfecta type III (OI3). Also called: Progressively Deforming Osteogenesis Imperfecta; Osteogenesis imperfecta type 3; OI type 3; Osteogenesis imperfecta, progressively deforming with normal sclerae; OI type III. Identifiers: Orphanet 216812, Orphanet 666, MedGen C0268362, MONDO:0009804, OMIM 259420.
Osteogenesis imperfecta with normal sclerae, dominant form (OI4). Also called: OSTEOGENESIS IMPERFECTA, TYPE IV, WITH DENTINOGENESIS IMPERFECTA; OSTEOGENESIS IMPERFECTA WITH NORMAL SCLERAE; Osteogenesis imperfecta type 4; Common Variable Osteogenesis Imperfecta with Normal Sclerae; Osteogenesis Imperfecta Type IV. Identifiers: Orphanet 216820, Orphanet 666, MedGen C0268363, MONDO:0008148, OMIM 166220.
Ehlers-Danlos syndrome, cardiac valvular type. Identifiers: Orphanet 230851, MedGen C4303789, MONDO:0009159, OMIM 225320.
Ehlers-Danlos syndrome, arthrochalasia type, 2. Also called: EHLERS-DANLOS SYNDROME, TYPE VIIB, AUTOSOMAL DOMINANT. Identifiers: MedGen CN293783, MONDO:0040501, OMIM 617821.

Submissions (3):

GeneDx
Classification: Pathogenic. Last evaluated: 2022-12-28. Review status: criteria provided, single submitter. Criteria: GeneDx Variant Classification Process June 2021. Collection method: clinical testing. Allele origin: germline. Affected: yes.
Comment: Occurs in the triple helical domain and replaces the glycine in the canonical GlyX-Y repeat; missense substitution of a canonical glycine residue is expected to disrupt normal protein folding and function, and this is an established mechanism of disease (Jovanovic et al., 2021); Not observed at significant frequency in large population cohorts (gnomAD); In silico analysis supports that this missense variant has a deleterious effect on protein structure/function; This variant is associated with the following publications: (PMID: 34007986, 31216405)

Baylor Genetics
Classification: Likely pathogenic for Ehlers-Danlos syndrome, arthrochalasia type, 2; Ehlers-Danlos syndrome, cardiac valvular type; Osteogenesis imperfecta, perinatal lethal; Osteogenesis imperfecta with normal sclerae, dominant form; Osteogenesis imperfecta type III. Last evaluated: 2018-10-12. Review status: criteria provided, single submitter. Criteria: ACMG Guidelines, 2015. Collection method: clinical testing. Allele origin: germline. Affected: yes.

Labcorp Genetics (formerly Invitae), Labcorp
Classification: Pathogenic for Osteogenesis imperfecta type I; Ehlers-Danlos syndrome, classic type, 1. Last evaluated: 2018-07-25. Review status: criteria provided, single submitter. Criteria: Invitae Variant Classification Sherloc (09022015). Collection method: clinical testing. Allele origin: germline.
Comment: This sequence change replaces glycine with arginine at codon 448 of the COL1A2 protein (p.Gly448Arg). The glycine residue is highly conserved and there is a moderate physicochemical difference between glycine and arginine. This variant is not present in population databases (ExAC no frequency). This variant has not been reported in the literature in individuals with COL1A2-related disease. Algorithms developed to predict the effect of missense changes on protein structure and function (SIFT, PolyPhen-2, Align-GVGD) all suggest that this variant is likely to be disruptive, but these predictions have not been confirmed by published functional studies and their clinical significance is uncertain. The observation of one or more missense substitutions at this codon (p.Gly448Glu) in affected individuals suggests that this may be a clinically significant residue (PMID: 17078022). For these reasons, this variant has been classified as Pathogenic. Glycine residues within the Gly-Xaa-Yaa repeats of the triple helix domain are required for the structure and stability of fibrillar collagens (PMID: 7695699, 8218237, 19344236). In COL1A2, missense variants at these glycine residues are significantly enriched in individuals with disease (PMID: 9016532, 17078022) compared to the general population (ExAC).

Literature cited by the submitters: PubMed 17078022 (cited by Labcorp Genetics (formerly Invitae), Labcorp); PubMed 7695699 (cited by Labcorp Genetics (formerly Invitae), Labcorp); PubMed 8218237 (cited by Labcorp Genetics (formerly Invitae), Labcorp); PubMed 19344236 (cited by Labcorp Genetics (formerly Invitae), Labcorp); PubMed 9016532 (cited by Labcorp Genetics (formerly Invitae), Labcorp).